The following is an entry in ClinVar:

NM_001845.6(COL4A1):c.903+23_903+24insTTCTCTGTGGTTTTTTTTTTTTTTTTTTTTTTTTTNNNNNNNNNNACTTCTGGCGCCCGCCAATACGCCCGGCTTATTTTTTGTATTTTTAGTAGAGACGGGGTTTCACCATTTTAGCCGGGATG

Gene: COL4A1 (collagen type IV alpha 1 chain; minus strand). Cytogenetic location: 13q34.
Variant type: Microsatellite.
Coding change: c.903+23_903+24insTTCTCTGTGGTTTTTTTTTTTTTTTTTTTTTTTTTNNNNNNNNNNACTTCTGGCGCCCGCCAATACGCCCGGCTTATTTTTTGTATTTTTAGTAGAGACGGGGTTTCACCATTTTAGCCGGGATG on transcript NM_001845.6 (MANE Select); bases 23 to 24 of the intron after coding-DNA position 903, TTCTCTGTGGTTTTTTTTTTTTTTTTTTTTTTTTTNNNNNNNNNNACTTCTGGCGCCCGCCAATACGCCCGGCTTATTTTTTGTATTTTTAGTAGAGACGGGGTTTCACCATTTTAGCCGGGATG inserted.
Molecular consequence: intron variant.
Genome position: GRCh38: chr13:110,205,471-110,205,485. GRCh37 (hg19): chr13:110,857,818-110,857,832.
Other names: c.903+23_903+24insTTCTCTGTGGTTTTTTTTTTTTTTTTTTTTTTTTTNNNNNNNNNNACTTCTGGCGCCCGCCAATACGCCCGGCTTATTTTTTGTATTTTTAGTAGAGACGGGGTTTCACCATTTTAGCCGGGATG (NM_001303110.2).
Identifiers: ClinVar variation 1960352 (VCV001960352.5).

ClinVar aggregate classification (germline): Uncertain significance (1 of 4 stars; one submission).

Submission:

Labcorp Genetics (formerly Invitae), Labcorp
Classification: Uncertain significance. Last evaluated: 2021-09-03. Review status: criteria provided, single submitter. Criteria: Invitae Variant Classification Sherloc (09022015). Collection method: clinical testing. Allele origin: germline.
Comment: In summary, the available evidence is currently insufficient to determine the role of this variant in disease. Therefore, it has been classified as a Variant of Uncertain Significance. Algorithms developed to predict the effect of sequence changes on RNA splicing suggest that this variant may create or strengthen a splice site. This variant has not been reported in the literature in individuals affected with COL4A1-related conditions. This variant is not present in population databases (ExAC no frequency). This sequence change falls in intron 16 of the COL4A1 gene. It does not directly change the encoded amino acid sequence of the COL4A1 protein.